The following is an entry in ClinVar:

NM_001386140.1(MTTP):c.1099C>T (p.Gln367Ter)

Gene: MTTP (microsomal triglyceride transfer protein; plus strand). Cytogenetic location: 4q23.
Variant type: single nucleotide variant.
Coding change: c.1099C>T on transcript NM_001386140.1 (MANE Select); coding-DNA position 1099, C replaced by T.
Protein change: p.Gln367Ter; replaces glutamine 367 with a stop codon.
Molecular consequence: nonsense.
Genome position (GRCh38, 1-based): chr4:99,600,596, C>T. VCF-style: chr4-99600596-C-T. GRCh37 (hg19) VCF-style: chr4-100521753-C-T.
Other names: c.1099C>T, p.Gln367Ter (NM_000253.4); c.850C>T, p.Gln284Ter (NM_001300785.2); short protein forms Q284*, Q367*.
Identifiers: ClinVar variation 983695 (VCV000983695.3), dbSNP rs1171996547, ClinGen allele CA357507969.

ClinVar aggregate classification (germline): Likely pathogenic (1 of 4 stars; one submission).

Conditions:
Abetalipoproteinaemia (ABL). Also called: Abetalipoproteinemia; Abetalipoproteinemia neuropathy; Apolipoprotein B deficiency; Congenital betalipoprotein deficiency syndrome; MTP DEFICIENCY. Identifiers: Orphanet 14, MedGen C0000744, MONDO:0008692, OMIM 200100, HP:0008181.

Allele frequency attached by ClinVar (database versions not stated): gnomAD 0.00001.
gnomAD v4.1: 1 of 1,613,582 alleles (0.000062%); highest among the groups gnomAD compares: Non-Finnish European, 0.000085%; no homozygotes.

Submission:

Myriad Genetics, Inc.
Classification: Likely pathogenic for Abetalipoproteinaemia. Last evaluated: 2019-12-21. Review status: criteria provided, single submitter. Criteria: Myriad Women's Health Autosomal Recessive and X-Linked Classification Criteria (2019). Collection method: clinical testing. Allele origin: unknown.
Comment: NM_000253.2(MTTP):c.1099C>T(Q367*) is expected to be pathogenic in the context of abetalipoproteinemia. This variant is predicted to lead to an abnormal or absent protein product due to the creation of a premature termination codon in MTTP, a gene where loss-of-function variants are known to be pathogenic. Please note: this variant was assessed in the context of healthy population screening.